The following is an entry in ClinVar:

NM_001308093.3(GATA4):c.912+23C>T

Gene: GATA4 (GATA binding protein 4). Cytogenetic location: 8p23.1.
Variant type: single nucleotide variant.
Coding change: c.912+23C>T on transcript NM_001308093.3 (MANE Select); 23 bases into the intron after coding-DNA position 912, C replaced by T.
Molecular consequence: intron variant.
Genome position (GRCh38, 1-based): chr8:11,750,259, C>T. VCF-style: chr8-11750259-C-T. GRCh37 (hg19) VCF-style: chr8-11607768-C-T.
Other names: c.291+23C>T (NM_001308094.2, NM_001374273.1); c.909+23C>T (NM_002052.5); c.165+1174C>T (NM_001374274.1).
Identifiers: ClinVar variation 4983124 (VCV004983124.1).

ClinVar aggregate classification (germline): Likely benign (1 of 4 stars; one submission).

Conditions:
GATA4-related disorder. Also called: GATA4-related condition. Identifiers: MedGen CN860321.

gnomAD v4.1: 565 of 1,610,688 alleles (0.035%); highest among the groups gnomAD compares: Non-Finnish European, 0.043%; no homozygotes.

Submission:

PreventionGenetics, part of Exact Sciences
Classification: Likely benign for GATA4-related condition. Last evaluated: 2025-07-14. Review status: criteria provided, single submitter. Criteria: ACMG Guidelines, 2015. Collection method: clinical testing. Allele origin: germline.
Comment: This variant is classified as likely benign based on ACMG/AMP sequence variant interpretation guidelines (Richards et al. 2015 PMID: 25741868, with internal and published modifications).